The following is an entry in ClinVar:

ClinVar aggregate classification (germline): Uncertain significance (1 of 4 stars; one submission).

Conditions:
Global developmental delay, absent or hypoplastic corpus callosum, and dysmorphic facies (GDACCF). Identifiers: MedGen C4310644, MONDO:0014994, OMIM 617260.

Submission:

Baylor Genetics
Classification: Uncertain significance for Global developmental delay, absent or hypoplastic corpus callosum, and dysmorphic facies. Last evaluated: 2020-02-03. Review status: criteria provided, single submitter. Criteria: ACMG Guidelines, 2015. Collection method: clinical testing. Allele origin: unknown. Affected: yes.
Comment: This variant was determined to be of uncertain significance according to ACMG Guidelines, 2015 [PMID:25741868].

NM_021964.3(ZNF148):c.1667A>C (p.His556Pro)

Genes: ZNF148 (zinc finger protein 148; minus strand), LOC126806798 (P300/CBP strongly-dependent group 1 enhancer GRCh37_chr3:124950809-124952008; plus strand). Cytogenetic location: 3q21.2.
Variant type: single nucleotide variant.
Coding change: c.1667A>C on transcript NM_021964.3 (MANE Select); coding-DNA position 1667, A replaced by C.
Protein change: p.His556Pro; replaces histidine 556 with proline.
Molecular consequence: missense variant.
Genome position (GRCh38, 1-based): chr3:125,233,059, T>G on the plus strand (A>C on the coding strand, the complement: ZNF148 is on the minus strand). VCF-style: chr3-125233059-T-G. GRCh37 (hg19) VCF-style: chr3-124951903-T-G.
Other names: c.1667A>C, p.His556Pro (NM_001348424.1, NM_001348425.2, NM_001348426.2 and 7 more transcripts); c.1541A>C, p.His514Pro (NM_001348434.2); short protein forms H556P, H514P.
Identifiers: ClinVar variation 1028237 (VCV001028237.1), dbSNP rs1935927556, ClinGen allele CA354294821.
Genomic context (GRCh38, chr3:125,233,059, plus strand): 5'-GAAGAATTTATTGATATGCTAGAAGTCACTTCAGTATCTGCAACACTGAAGGATATCTCA[T>G]GCTGTCCATTAGCTTTGTGGGAATAATGATCCAACAGAGTCTGCAGTACCTCATCTGGAA-3'
Protein context (NP_068799.2, residues 546-566): DHYSHKANGQ[His556Pro]EISFSVADTE